The following is an entry in ClinVar:

NM_001042492.3(NF1):c.4865del (p.Leu1622fs)

Gene: NF1 (neurofibromin 1; plus strand). Cytogenetic location: 17q11.2.
Variant type: Deletion.
Coding change: c.4865del on transcript NM_001042492.3 (MANE Select); coding-DNA position 4865, one base deleted (T; older notation c.4865delT).
Protein change: p.Leu1622fs; shifts the reading frame from leucine 1622.
Molecular consequence: frameshift variant.
Genome position (GRCh38, 1-based): chr17:31,325,849, T deleted; the last of 3 consecutive T bases (chr17:31,325,847-31,325,849); deleting any one gives the same sequence. VCF-style (leftmost placement, unchanged base first): chr17-31325846-AT-A. GRCh37 (hg19) VCF-style: chr17-29652864-AT-A.
Other names: c.4802delT, p.Leu1601Cysfs (NM_000267.4); short protein forms L1622fs, L1601fs.
Identifiers: ClinVar variation 834344 (VCV000834344.6), dbSNP rs2069325928, ClinGen allele CA916080608.

ClinVar aggregate classification (germline): Pathogenic (1 of 4 stars; one submission).

Conditions:
Neurofibromatosis, type 1 (NF1). Also called: Peripheral type neurofibromatosis; Neurofibromatosis, type I; VON RECKLINGHAUSEN DISEASE; NEUROFIBROMATOSIS, TYPE I, SOMATIC. Identifiers: Orphanet 636, MedGen C0027831, MONDO:0018975, OMIM 162200. Disease mechanism: loss of function.

Submission:

Labcorp Genetics (formerly Invitae), Labcorp
Classification: Pathogenic for Neurofibromatosis, type 1. Last evaluated: 2025-10-01. Review status: criteria provided, single submitter. Criteria: Invitae Variant Classification Sherloc (09022015). Collection method: clinical testing. Allele origin: germline.
Comment: This sequence change creates a premature translational stop signal (p.Leu1601Cysfs*2) in the NF1 gene. It is expected to result in an absent or disrupted protein product. Loss-of-function variants in NF1 are known to be pathogenic (PMID: 10712197, 23913538). This variant is not present in population databases (gnomAD no frequency). This premature translational stop signal has been observed in individuals with neurofibromatosis, type 1 (PMID: 28924536, 29914388). It has also been observed to segregate with disease in related individuals. ClinVar contains an entry for this variant (Variation ID: 834344). For these reasons, this variant has been classified as Pathogenic.

Literature cited by the submitters: PubMed 10712197; PubMed 23913538; PubMed 28924536; PubMed 29914388.